The following is an entry in ClinVar:

ClinVar aggregate classification (germline): Uncertain significance. Review status: criteria provided, multiple submitters, no conflicts (2 of 4 stars). 2 submissions from 2 submitters: Uncertain significance (2). Last evaluated 2025-12-29.

gnomAD v4.1: 1 of 1,614,094 alleles (0.000062%); highest among the groups gnomAD compares: South Asian, 0.0011%; no homozygotes.

Submissions (2):

Center for Genomic Medicine, Rigshospitalet, Copenhagen University Hospital
Classification: Uncertain significance. Last evaluated: 2025-12-29. Review status: criteria provided, single submitter. Criteria: ACMG Guidelines, 2015. Collection method: clinical testing. Allele origin: germline.

Labcorp Genetics (formerly Invitae), Labcorp
Classification: Uncertain significance. Last evaluated: 2021-08-22. Review status: criteria provided, single submitter. Criteria: Invitae Variant Classification Sherloc (09022015). Collection method: clinical testing. Allele origin: germline.
Comment: This variant has not been reported in the literature in individuals affected with MSH3-related conditions. In summary, the available evidence is currently insufficient to determine the role of this variant in disease. Therefore, it has been classified as a Variant of Uncertain Significance. Algorithms developed to predict the effect of missense changes on protein structure and function are either unavailable or do not agree on the potential impact of this missense change (SIFT: "Deleterious"; PolyPhen-2: "Possibly Damaging"; Align-GVGD: "Class C0"). This variant is not present in population databases (ExAC no frequency). This sequence change replaces threonine with isoleucine at codon 937 of the MSH3 protein (p.Thr937Ile). The threonine residue is moderately conserved and there is a moderate physicochemical difference between threonine and isoleucine.

NM_002439.5(MSH3):c.2810C>T (p.Thr937Ile)

Gene: MSH3 (mutS homolog 3; plus strand). Cytogenetic location: 5q14.1.
Variant type: single nucleotide variant.
Coding change: c.2810C>T on transcript NM_002439.5 (MANE Select); coding-DNA position 2810, C replaced by T.
Protein change: p.Thr937Ile; replaces threonine 937 with isoleucine.
Molecular consequence: missense variant.
Genome position (GRCh38, 1-based): chr5:80,813,738, C>T. VCF-style: chr5-80813738-C-T. GRCh37 (hg19) VCF-style: chr5-80109557-C-T.
Other names: short protein forms T937I.
Identifiers: ClinVar variation 1514471 (VCV001514471.7), dbSNP rs777318930, ClinGen allele CA360274122.